The following is an entry in ClinVar:

NM_005144.5(HR):c.1571G>A (p.Gly524Glu)

Gene: HR (HR lysine demethylase and nuclear receptor corepressor; minus strand). Cytogenetic location: 8p21.3.
Variant type: single nucleotide variant.
Coding change: c.1571G>A on transcript NM_005144.5 (MANE Select); coding-DNA position 1571, G replaced by A.
Protein change: p.Gly524Glu; replaces glycine 524 with glutamic acid.
Molecular consequence: missense variant.
Genome position (GRCh38, 1-based): chr8:22,125,490, C>T on the plus strand (G>A on the coding strand, the complement: HR is on the minus strand). VCF-style: chr8-22125490-C-T. GRCh37 (hg19) VCF-style: chr8-21983003-C-T.
Other names: c.1571G>A, p.Gly524Glu (NM_018411.4); short protein forms G524E.
Identifiers: ClinVar variation 910043 (VCV000910043.4), dbSNP rs780702208, ClinGen allele CA4662411.

ClinVar aggregate classification (germline): Uncertain significance. Review status: criteria provided, single submitter (1 of 4 stars). 2 submissions from 1 submitter: Uncertain significance (2). Last evaluated 2017-04-27.

Conditions:
Atrichia with papular lesions (APL). Also called: PAPULAR ATRICHIA. Identifiers: Orphanet 86819, MedGen C1859592, MONDO:0008847, OMIM 209500.
Alopecia universalis congenita (ALUNC). Also called: ATRICHIA, GENERALIZED. Identifiers: Orphanet 701, MedGen C1859877, MONDO:0008757, OMIM 203655.

Allele frequency attached by ClinVar (database versions not stated): ExAC 0.00001; gnomAD exomes 0.00001 and 0.00003.
gnomAD v4.1: 17 of 1,613,508 alleles (0.0011%); highest among the groups gnomAD compares: East Asian, 0.038%; no homozygotes.

Submissions (2):

Illumina Laboratory Services, Illumina
Classification: Uncertain significance for Alopecia universalis congenita. Last evaluated: 2017-04-27. Review status: criteria provided, single submitter. Criteria: ICSL Variant Classification Criteria 13 December 2019. Collection method: clinical testing. Allele origin: germline.
Comment: This variant was observed as part of a predisposition screen in an ostensibly healthy population. A literature search was performed for the gene, cDNA change, and amino acid change (where applicable). Publications were found based on this search. However, the evidence from the literature, in combination with allele frequency data from public databases where available, was not sufficient to rule this variant in or out of causing disease. Therefore, this variant is classified as a variant of unknown significance.

Illumina Laboratory Services, Illumina
Classification: Uncertain significance for Atrichia with papular lesions. Last evaluated: 2017-04-27. Review status: criteria provided, single submitter. Criteria: ICSL Variant Classification Criteria 13 December 2019. Collection method: clinical testing. Allele origin: germline.
Comment: the same text as in the submission from Illumina Laboratory Services, Illumina above.

Literature cited by the submitters: PubMed 21747609.